The following is an entry in ClinVar:

NM_006346.4(PIBF1):c.2001G>A (p.Thr667=)

Gene: PIBF1 (progesterone immunomodulatory binding factor 1; plus strand). Cytogenetic location: 13q22.1.
Variant type: single nucleotide variant.
Coding change: c.2001G>A on transcript NM_006346.4 (MANE Select); coding-DNA position 2001, G replaced by A.
Protein change: p.Thr667=; no amino-acid change (threonine 667 retained).
Molecular consequence: synonymous variant. On other transcripts: non-coding transcript variant (1).
Genome position (GRCh38, 1-based): chr13:72,973,627, G>A. VCF-style: chr13-72973627-G-A. GRCh37 (hg19) VCF-style: chr13-73547765-G-A.
Other names: c.2088G>A, p.Thr696= (NM_001349655.2).
Identifiers: ClinVar variation 4832934 (VCV004832934.1).

ClinVar aggregate classification (germline): Uncertain significance (1 of 4 stars; one submission).

Conditions:
Inborn genetic diseases. Identifiers: MedGen C0950123, MeSH D030342.

gnomAD v4.1: 14 of 1,575,624 alleles (0.00089%); highest among the groups gnomAD compares: Admixed American, 0.015%; no homozygotes.

Submission:

Ambry Genetics
Classification: Uncertain significance for Inborn genetic diseases. Last evaluated: 2026-03-04. Review status: criteria provided, single submitter. Criteria: Ambry Variant Classification Scheme 2023. Collection method: clinical testing. Allele origin: germline.
Comment: The c.2001G>A (p.T667T) alteration is located in exon 16 (coding exon 15) of the PIBF1 gene. This alteration consists of a G to A substitution at nucleotide position 2001. This nucleotide substitution does not change the amino acid at codon 667. Based on data from gnomAD, the A allele has an overall frequency of 0.003% (7/223008) total alleles studied. The highest observed frequency was 0.022% (6/27378) of Latino alleles. This nucleotide position is well conserved in available vertebrate species. In silico splice site analysis predicts that this alteration may weaken the native splice acceptor site. Based on insufficient or conflicting evidence, the clinical significance of this alteration remains unclear.